The following is an entry in ClinVar:

NM_130839.5(UBE3A):c.1176A>T (p.Glu392Asp)

Genes: SNHG14 (small nucleolar RNA host gene 14; plus strand), UBE3A (ubiquitin protein ligase E3A; minus strand). Cytogenetic location: 15q11.2.
Variant type: single nucleotide variant.
Coding change: c.1176A>T on transcript NM_130839.5 (MANE Select); coding-DNA position 1176, A replaced by T.
Protein change: p.Glu392Asp; replaces glutamic acid 392 with aspartic acid.
Molecular consequence: missense variant. On other transcripts: non-coding transcript variant (1), intron variant (2).
Genome position (GRCh38, 1-based): chr15:25,370,998, T>A on the plus strand (A>T on the coding strand, the complement: UBE3A is on the minus strand). VCF-style: chr15-25370998-T-A. GRCh37 (hg19) VCF-style: chr15-25616145-T-A.
Other names: c.1185A>T, p.Glu395Asp (NM_000462.5); c.1176A>T, p.Glu392Asp (NM_001354505.1, NM_001354538.2, NM_001354545.2); c.1116A>T, p.Glu372Asp (NM_001354506.2, NM_001354507.2, NM_001354508.2 and 17 more transcripts); c.999A>T, p.Glu333Asp (NM_001354546.2); c.301+4467A>T (NM_001354551.2); c.361+4467A>T (NM_001354550.2); short protein forms E372D, E392D, E395D, E333D.
Identifiers: ClinVar variation 160200 (VCV000160200.14), dbSNP rs587784510, ClinGen allele CA333514.

ClinVar aggregate classification (germline): Uncertain significance. Review status: criteria provided, multiple submitters, no conflicts (2 of 4 stars). 3 submissions from 3 submitters: Uncertain significance (3). Last evaluated 2023-11-13.

Conditions:
Angelman syndrome (AS). Also called: HAPPY PUPPET SYNDROME. Identifiers: Orphanet 72, MedGen C0162635, MONDO:0007113, OMIM 105830. Disease mechanism: loss of function. Inheritance: AS is caused by disruption of maternally imprinted UBE3A located within the 15q11.2-q13 Angelman syndrome/Prader-Willi syndrome (AS/PWS) region., imprinting disorder.

Allele frequency attached by ClinVar (database versions not stated): TOPMed below 0.00001; gnomAD 0.00001.
gnomAD v4.1: 16 of 1,614,020 alleles (0.00099%); highest among the groups gnomAD compares: Admixed American, 0.0017%; no homozygotes.

Submissions (3):

Labcorp Genetics (formerly Invitae), Labcorp
Classification: Uncertain significance for Angelman syndrome. Last evaluated: 2023-11-13. Review status: criteria provided, single submitter. Criteria: Invitae Variant Classification Sherloc (09022015). Collection method: clinical testing. Allele origin: germline.
Comment: This sequence change replaces glutamic acid, which is acidic and polar, with aspartic acid, which is acidic and polar, at codon 372 of the UBE3A protein (p.Glu372Asp). The frequency data for this variant in the population databases is considered unreliable, as metrics indicate poor data quality at this position in the gnomAD database. This variant has not been reported in the literature in individuals affected with UBE3A-related conditions. ClinVar contains an entry for this variant (Variation ID: 160200). Advanced modeling of protein sequence and biophysical properties (such as structural, functional, and spatial information, amino acid conservation, physicochemical variation, residue mobility, and thermodynamic stability) has been performed at Invitae for this missense variant, however the output from this modeling did not meet the statistical confidence thresholds required to predict the impact of this variant on UBE3A protein function. In summary, the available evidence is currently insufficient to determine the role of this variant in disease. Therefore, it has been classified as a Variant of Uncertain Significance.

GeneDx
Classification: Uncertain significance. Last evaluated: 2015-10-30. Review status: criteria provided, single submitter. Criteria: GeneDx Variant Classification (06012015). Collection method: clinical testing. Allele origin: germline. Affected: yes.
Comment: A variant of uncertain significance has been identified in the UBE3A gene. The E372D variant has not been published as a pathogenic variant, nor has it been reported as a benign variant to our knowledge. It was not observed in approximately 6,500 individuals of European and African American ancestry in the NHLBI Exome Sequencing Project, indicating it is not a common benign variant in these populations. The E372D variant is a conservative amino acid substitution, which is not likely to impact secondary protein structure as these residues share similar properties. However, this substitution occurs at a position that is conserved across species. In silico analysis is inconsistent in its predictions as to whether or not the variant is damaging to the protein structure/function. Therefore, based on the currently available information, it is unclear whether this variant is a pathogenic variant or a rare benign variant.

Genetic Services Laboratory, University of Chicago
Classification: Uncertain significance for Angelman syndrome. Last evaluated: 2013-10-10. Review status: criteria provided, single submitter. Criteria: ACMG Guidelines, 2007. Collection method: clinical testing. Allele origin: germline. Inheritance: Autosomal dominant inheritance.